The following is an entry in ClinVar:

NM_001164508.2(NEB):c.14514C>T (p.Ser4838=)

Gene: NEB (nebulin; minus strand). Cytogenetic location: 2q23.3.
Variant type: single nucleotide variant.
Coding change: c.14514C>T on transcript NM_001164508.2 (MANE Select); coding-DNA position 14514, C replaced by T.
Protein change: p.Ser4838=; no amino-acid change (serine 4838 retained).
Molecular consequence: synonymous variant. On other transcripts: intron variant (1).
Genome position (GRCh38, 1-based): chr2:151,594,010, G>A on the plus strand (C>T on the coding strand, the complement: NEB is on the minus strand). VCF-style: chr2-151594010-G-A. GRCh37 (hg19) VCF-style: chr2-152450524-G-A.
Other names: c.14514C>T, p.Ser4838= (NM_001164507.2, NM_001271208.2); c.11601+15799C>T (NM_004543.5).
Identifiers: ClinVar variation 509195 (VCV000509195.2), dbSNP rs1057522066, ClinGen allele CA429451719.

ClinVar aggregate classification (germline): Likely benign. Review status: criteria provided, multiple submitters, no conflicts (2 of 4 stars). 2 submissions from 2 submitters: Likely benign (2). Last evaluated 2024-11-25.

Allele frequency attached by ClinVar (database versions not stated): gnomAD 0.00239; 1000 Genomes Project 30x 0.00390.

Submissions (2):

Blueprint Genetics
Classification: Likely benign. Last evaluated: 2024-11-25. Review status: criteria provided, single submitter. Criteria: ACMG Guidelines, 2015. Collection method: clinical testing. Allele origin: germline.

GeneDx
Classification: Likely benign. Last evaluated: 2017-12-06. Review status: criteria provided, single submitter. Criteria: GeneDx Variant Classification (06012015). Collection method: clinical testing. Allele origin: germline. Affected: yes.
Comment: This variant is considered likely benign or benign based on one or more of the following criteria: it is a conservative change, it occurs at a poorly conserved position in the protein, it is predicted to be benign by multiple in silico algorithms, and/or has population frequency not consistent with disease.